The following is an entry in ClinVar:

ClinVar aggregate classification (germline): Uncertain significance. Review status: criteria provided, single submitter (1 of 4 stars). 2 submissions from 2 submitters: Uncertain significance (1). 1 of the submissions does not count toward it. Last evaluated 2024-10-10.

Submissions (2):

Quest Diagnostics Nichols Institute San Juan Capistrano
Classification: Uncertain significance. Last evaluated: 2024-10-10. Review status: criteria provided, single submitter. Criteria: Quest Diagnostics criteria. Collection method: clinical testing. Allele origin: unknown.
Comment: The VWF c.4790G>T (p.Arg1597Leu) variant has been reported in the published literature in individuals affected with Type 2A von Willebrand disease (vWD) (PMIDs: 17681836 (2007), 28536718 (2017)). Two other deleterious variants, c.4789C>T (p.Arg1597Trp) and c.4790G>A (p.Arg1597Gln), occur at this same position in the VWF protein, which has been reported to be important for its structure and function (PMID: 30762591 (2019)). The c.4790G>T (p.Arg1597Leu) variant has not been reported in large, multi-ethnic general populations (Genome Aggregation Database). Analysis of this variant using bioinformatics tools for the prediction of the effect of amino acid changes on protein structure and function yielded conflicting predictions that this variant is deleterious or benign. Based on the available information, we are unable to determine the clinical significance of this variant.

Academic Unit of Haematology, University of Sheffield
No classification provided. Review status: no classification provided. Collection method: not provided. Allele origin: not provided. Not counted in ClinVar's aggregate classification.

Literature cited by the submitters: PubMed 17681836 (cited by Quest Diagnostics Nichols Institute San Juan Capistrano); PubMed 28536718 (cited by Quest Diagnostics Nichols Institute San Juan Capistrano); PubMed 30762591 (cited by Quest Diagnostics Nichols Institute San Juan Capistrano).

NM_000552.5(VWF):c.4790G>T (p.Arg1597Leu)

Gene: VWF (von Willebrand factor; minus strand). Cytogenetic location: 12p13.31.
Variant type: single nucleotide variant.
Coding change: c.4790G>T on transcript NM_000552.5 (MANE Select); coding-DNA position 4790, G replaced by T.
Protein change: p.Arg1597Leu; replaces arginine 1597 with leucine.
Molecular consequence: missense variant.
Genome position (GRCh38, 1-based): chr12:6,018,628, C>A on the plus strand (G>T on the coding strand, the complement: VWF is on the minus strand). VCF-style: chr12-6018628-C-A. GRCh37 (hg19) VCF-style: chr12-6127794-C-A.
Other names: c.4790G>T (NM_000552.4); short protein forms R1597L.
Identifiers: ClinVar variation 100392 (VCV000100392.2), dbSNP rs61750577, ClinGen allele CA228659.
Genomic context (GRCh38, chr12:6,018,628, plus strand): 5'-TTGATCTCATCAGAGGCAGGATTTCCGGTGACCATGTAGACCAGGTTGGGCGCCTGCTCC[C>A]GGTCACCCTGGCTGACCAAGAAGCTGTGGTCAGAGAGGTACCGCAGGGCCAGCCCAGTGT-3'
Protein context (NP_000543.3, residues 1587-1607): DHSFLVSQGD[Arg1597Leu]EQAPNLVYMV